The following is an entry in ClinVar:

NM_000222.3(KIT):c.1847C>A (p.Ala616Glu)

Gene: KIT (KIT proto-oncogene, receptor tyrosine kinase; plus strand). Cytogenetic location: 4q12.
Variant type: single nucleotide variant.
Coding change: c.1847C>A on transcript NM_000222.3 (MANE Select); coding-DNA position 1847, C replaced by A.
Protein change: p.Ala616Glu; replaces alanine 616 with glutamic acid.
Molecular consequence: missense variant.
Genome position (GRCh38, 1-based): chr4:54,727,895, C>A. VCF-style: chr4-54727895-C-A. GRCh37 (hg19) VCF-style: chr4-55594061-C-A.
Other names: c.1847C>A, p.Ala616Glu (NM_001385285.1); c.1835C>A, p.Ala612Glu (NM_001385286.1, NM_001093772.2); c.1838C>A, p.Ala613Glu (NM_001385288.1, NM_001385292.1); c.1850C>A, p.Ala617Glu (NM_001385290.1, NM_001385284.1); short protein forms A612E, A613E, A616E, A617E.
Identifiers: ClinVar variation 1016858 (VCV001016858.9), dbSNP rs891140054, ClinGen allele CA356908163.
Genomic context (GRCh38, chr4:54,727,895, plus strand): 5'-GTGCTGGAGCTTTCGGGAAGGTTGTTGAGGCAACTGCTTATGGCTTAATTAAGTCAGATG[C>A]GGCCATGACTGTCGCTGTAAAGATGCTCAAGCGTAAGTTCCTGTATGGTACTGCATGCGC-3'
Protein context (NP_000213.1, residues 606-626): ATAYGLIKSD[Ala616Glu]AMTVAVKMLK

ClinVar aggregate classification (germline): Uncertain significance (1 of 4 stars; one submission).

Conditions:
Gastrointestinal stromal tumor. Also called: Gastrointestinal stromal tumor, somatic; Gastrointestinal stroma tumor. Identifiers: Orphanet 44890, MedGen C0238198, MeSH D046152, MONDO:0011719, OMIM 606764, HP:0100723.

Submission:

Labcorp Genetics (formerly Invitae), Labcorp
Classification: Uncertain significance for Gastrointestinal stromal tumor. Last evaluated: 2025-10-01. Review status: criteria provided, single submitter. Criteria: Invitae Variant Classification Sherloc (09022015). Collection method: clinical testing. Allele origin: germline.
Comment: This sequence change replaces alanine, which is neutral and non-polar, with glutamic acid, which is acidic and polar, at codon 616 of the KIT protein (p.Ala616Glu). This variant is not present in population databases (gnomAD no frequency). This variant has not been reported in the literature in individuals affected with KIT-related conditions. ClinVar contains an entry for this variant (Variation ID: 1016858). An algorithm developed to predict the effect of missense changes on protein structure and function (PolyPhen-2) suggests that this variant is likely to be disruptive. In summary, the available evidence is currently insufficient to determine the role of this variant in disease. Therefore, it has been classified as a Variant of Uncertain Significance.